The following is an entry in ClinVar:

NM_020121.4(UGGT2):c.2102T>G (p.Val701Gly)

Gene: UGGT2 (UDP-glucose glycoprotein glucosyltransferase 2; minus strand). Cytogenetic location: 13q32.1.
Variant type: single nucleotide variant.
Coding change: c.2102T>G on transcript NM_020121.4 (MANE Select); coding-DNA position 2102, T replaced by G.
Protein change: p.Val701Gly; replaces valine 701 with glycine.
Molecular consequence: missense variant.
Genome position (GRCh38, 1-based): chr13:95,927,126, A>C on the plus strand (T>G on the coding strand, the complement: UGGT2 is on the minus strand). VCF-style: chr13-95927126-A-C. GRCh37 (hg19) VCF-style: chr13-96579380-A-C.
Other names: short protein forms V701G.
Identifiers: ClinVar variation 2643879 (VCV002643879.24), dbSNP rs62620239, ClinGen allele CA7022501.

ClinVar aggregate classification (germline): Likely benign (1 of 4 stars; one submission).

Allele frequency attached by ClinVar (database versions not stated): 1000 Genomes Project 0.00160; 1000 Genomes Project 30x 0.00172; gnomAD 0.00279; ExAC 0.00288; TOPMed 0.00309; ESP Exome Variant Server 0.00362.
gnomAD v4.1: 5,825 of 1,607,556 alleles (0.36%); highest among the groups gnomAD compares: Middle Eastern, 1%; 21 homozygotes.

Submission:

CeGaT Center for Human Genetics Tuebingen
Classification: Likely benign. Last evaluated: 2023-01-01. Review status: criteria provided, single submitter. Criteria: CeGaT Center For Human Genetics Tuebingen Variant Classification Criteria Version 2. Collection method: clinical testing. Allele origin: germline. Affected: yes. Observed: 1 variant allele.
Comment: UGGT2: BP4, BS2